The following is an entry in ClinVar:

ClinVar aggregate classification (germline): Likely benign. Review status: criteria provided, multiple submitters, no conflicts (2 of 4 stars). 4 submissions from 4 submitters: Likely benign (3). 1 of the submissions does not count toward it. Last evaluated 2025-10-09.

Conditions:
KIF5A-related disorder. Also called: KIF5A-related disorders; KIF5A-related condition.
Spastic paraplegia. Identifiers: MedGen C0037772, HP:0001258.

Allele frequency attached by ClinVar (database versions not stated): ExAC 0.00002; gnomAD 0.00002 and 0.00003; gnomAD exomes 0.00002; TOPMed 0.00002; ESP Exome Variant Server 0.00008.
gnomAD v4.1: 27 of 1,611,476 alleles (0.0017%); highest among the groups gnomAD compares: Non-Finnish European, 0.0023%; no homozygotes.

Submissions (4):

Labcorp Genetics (formerly Invitae), Labcorp
Classification: Likely benign for Spastic paraplegia. Last evaluated: 2025-10-09. Review status: criteria provided, single submitter. Criteria: Invitae Variant Classification Sherloc (09022015). Collection method: clinical testing. Allele origin: germline.

Blueprint Genetics
Classification: Likely benign. Last evaluated: 2024-10-03. Review status: criteria provided, single submitter. Criteria: ACMG Guidelines, 2015. Collection method: clinical testing. Allele origin: germline.

ARUP Laboratories, Molecular Genetics and Genomics, ARUP Laboratories
Classification: Likely benign. Last evaluated: 2019-05-20. Review status: criteria provided, single submitter. Criteria: ARUP Molecular Germline Variant Investigation Process. Collection method: clinical testing. Allele origin: germline.

PreventionGenetics, part of Exact Sciences
Classification: Likely benign for KIF5A-related condition. Last evaluated: 2024-04-29. Review status: no assertion criteria provided. Collection method: clinical testing. Allele origin: germline. Not counted in ClinVar's aggregate classification.
Comment: This variant is classified as likely benign based on ACMG/AMP sequence variant interpretation guidelines (Richards et al. 2015 PMID: 25741868, with internal and published modifications).

NM_004984.4(KIF5A):c.510T>G (p.Thr170=)

Gene: KIF5A (kinesin family member 5A; plus strand). Cytogenetic location: 12q13.3.
Variant type: single nucleotide variant.
Coding change: c.510T>G on transcript NM_004984.4 (MANE Select); coding-DNA position 510, T replaced by G.
Protein change: p.Thr170=; no amino-acid change (threonine 170 retained).
Molecular consequence: synonymous variant.
Genome position (GRCh38, 1-based): chr12:57,567,134, T>G. VCF-style: chr12-57567134-T-G. GRCh37 (hg19) VCF-style: chr12-57960917-T-G.
Other names: c.510T>G (NM_004984.2); c.243T>G, p.Thr81= (NM_001354705.2).
Identifiers: ClinVar variation 812031 (VCV000812031.17), dbSNP rs369289917, ClinGen allele CA6652620.
Genomic context (GRCh38, chr12:57,567,134, plus strand): 5'-TACAAACTTAAAAAACAAAGCTTATGGGTCACTGTCCATTTGTCCCCCACAGGGTTGTAC[T>G]GAACGCTTTGTGTCCAGCCCGGAGGAGATTCTGGATGTGATTGATGAAGGGAAATCAAAT-3'
Protein context (NP_004975.2, residues 160-180): KNRVPFVKGC[Thr170=]ERFVSSPEEI